The following is an entry in ClinVar:

NM_001364905.1(LRBA):c.5581-5del

Gene: LRBA (LPS responsive beige-like anchor protein; minus strand). Cytogenetic location: 4q31.3.
Variant type: Deletion.
Coding change: c.5581-5del on transcript NM_001364905.1 (MANE Select); 5 bases into the intron before coding-DNA position 5581, one base deleted (T; older notation c.5581-5delT).
Molecular consequence: intron variant.
Genome position (GRCh38, 1-based): chr4:150,761,852, A deleted on the plus strand (T on the coding strand, the reverse complement: LRBA is on the minus strand); the first of 10 consecutive A bases (chr4:150,761,852-150,761,861); deleting any one gives the same sequence. VCF-style (leftmost placement, unchanged base first): chr4-150761851-TA-T. GRCh37 (hg19) VCF-style: chr4-151683003-TA-T.
Other names: p.?; c.5581-5del (NM_001367550.1, NM_006726.5, NM_001199282.3 and 3 more transcripts).
Identifiers: ClinVar variation 1165253 (VCV001165253.15), dbSNP rs760075270, ClinGen allele CA3102423.

ClinVar aggregate classification (germline): Benign/Likely benign. Review status: criteria provided, multiple submitters, no conflicts (2 of 4 stars). 4 submissions from 4 submitters: Benign (1); Likely benign (3). Last evaluated 2026-04-01.

Conditions:
Combined immunodeficiency due to LRBA deficiency. Also called: Common variable immunodeficiency 8, with autoimmunity. Identifiers: Orphanet 445018, MedGen C3553512, MONDO:0013863, OMIM 614700.

Submissions (4):

CeGaT Center for Human Genetics Tuebingen
Classification: Likely benign. Last evaluated: 2026-04-01. Review status: criteria provided, single submitter. Criteria: CeGaT Center For Human Genetics Tuebingen Variant Classification Criteria Version 2. Collection method: clinical testing. Allele origin: germline. Affected: yes. Observed: 4 variant alleles.
Comment: LRBA: BP4

Labcorp Genetics (formerly Invitae), Labcorp
Classification: Benign for Combined immunodeficiency due to LRBA deficiency. Last evaluated: 2026-01-07. Review status: criteria provided, single submitter. Criteria: Invitae Variant Classification Sherloc (09022015). Collection method: clinical testing. Allele origin: germline.

Mayo Clinic Laboratories, Mayo Clinic
Classification: Likely benign. Last evaluated: 2025-07-29. Review status: criteria provided, single submitter. Criteria: ACMG Guidelines, 2015. Collection method: clinical testing. Allele origin: germline. Observed: 1 variant allele.
Comment: BS1, BP4, BP7

Blueprint Genetics
Classification: Likely benign. Last evaluated: 2024-11-22. Review status: criteria provided, single submitter. Criteria: ACMG Guidelines, 2015. Collection method: clinical testing. Allele origin: germline.

Literature cited by the submitters: PubMed 36790564 (cited by Mayo Clinic Laboratories, Mayo Clinic).